The following is an entry in ClinVar:

ClinVar aggregate classification (germline): Uncertain significance (1 of 4 stars; one submission).

Submission:

Labcorp Genetics (formerly Invitae), Labcorp
Classification: Uncertain significance. Last evaluated: 2023-07-07. Review status: criteria provided, single submitter. Criteria: Invitae Variant Classification Sherloc (09022015). Collection method: clinical testing. Allele origin: germline.
Comment: This variant is present in population databases (rs769723773, gnomAD 0.02%). This variant has not been reported in the literature in individuals affected with PCARE-related conditions. Experimental studies and prediction algorithms are not available or were not evaluated, and the functional significance of this variant is currently unknown. In summary, the available evidence is currently insufficient to determine the role of this variant in disease. Therefore, it has been classified as a Variant of Uncertain Significance. This variant, c.3575_3577del, results in the deletion of 1 amino acid(s) of the PCARE protein (p.Arg1192del), but otherwise preserves the integrity of the reading frame.

NM_001029883.3(PCARE):c.3572GGA[1] (p.Arg1192del)

Gene: PCARE (photoreceptor cilium actin regulator; minus strand). Cytogenetic location: 2p23.2.
Variant type: Microsatellite.
Coding change: c.3572GGA[1] on transcript NM_001029883.3 (MANE Select); one copy of the 3-base unit GGA starting at c.3572; the reference has two copies in a row; one copy, 3 bases deleted.
Protein change: p.Arg1192del; deletes arginine 1192.
Molecular consequence: inframe deletion.
Genome position (GRCh38, 1-based): chr2:29,070,685-29,070,687, TCC deleted on the plus strand (GGA on the coding strand, the reverse complement: PCARE is on the minus strand); deleting any 3 consecutive bases within chr2:29,070,685-29,070,691 gives the same sequence; the position shown is the placement nearest the transcript's 3' end. VCF-style (leftmost placement, unchanged base first): chr2-29070684-GTCC-G. GRCh37 (hg19) VCF-style: chr2-29293550-GTCC-G.
Other names: short protein forms R1192del.
Identifiers: ClinVar variation 1390858 (VCV001390858.8), dbSNP rs769723773, ClinGen allele CA1591895.
Genomic context (GRCh38, chr2:29,070,684, plus strand): 5'-GTGCTGGTGGGGTCCAAGGTGGGAGGCTGCGGTCGGCCACCTGGCTGGCGGTCAGAAGCT[GTCC>G]TCCTGAGGAAAGGCAGAGGGTTGAGGGCACACAGAGCTGCTCTCCGCTGCGAGTCTGCTC-3'